The following is an entry in ClinVar:

NM_031935.3(HMCN1):c.4909+3G>A

Gene: HMCN1 (hemicentin 1; plus strand). Cytogenetic location: 1q31.1.
Variant type: single nucleotide variant.
Coding change: c.4909+3G>A on transcript NM_031935.3 (MANE Select); 3 bases into the intron after coding-DNA position 4909, G replaced by A.
Molecular consequence: intron variant.
Genome position (GRCh38, 1-based): chr1:186,015,440, G>A. VCF-style: chr1-186015440-G-A. GRCh37 (hg19) VCF-style: chr1-185984572-G-A.
Identifiers: ClinVar variation 4798801 (VCV004798801.1).

ClinVar aggregate classification (germline): Uncertain significance (1 of 4 stars; one submission).

gnomAD v4.1: 2 of 1,612,934 alleles (0.00012%); highest among the groups gnomAD compares: South Asian, 0.0011%; no homozygotes.

Submission:

Labcorp Genetics (formerly Invitae), Labcorp
Classification: Uncertain significance. Last evaluated: 2025-09-04. Review status: criteria provided, single submitter. Criteria: Invitae Variant Classification Sherloc (09022015). Collection method: clinical testing. Allele origin: germline.
Comment: This sequence change falls in intron 31 of the HMCN1 gene. It does not directly change the encoded amino acid sequence of the HMCN1 protein. It affects a nucleotide within the consensus splice site. This variant is not present in population databases (gnomAD no frequency). This variant has not been reported in the literature in individuals affected with HMCN1-related conditions. Variants that disrupt the consensus splice site are a relatively common cause of aberrant splicing (PMID: 17576681, 9536098). Algorithms developed to predict the effect of sequence changes on RNA splicing suggest that this variant is not likely to affect RNA splicing. In summary, the available evidence is currently insufficient to determine the role of this variant in disease. Therefore, it has been classified as a Variant of Uncertain Significance.

Literature cited by the submitters: PubMed 17576681; PubMed 9536098.